The following is an entry in ClinVar:

ClinVar aggregate classification (germline): Uncertain significance. Review status: criteria provided, multiple submitters, no conflicts (2 of 4 stars). 3 submissions from 3 submitters: Uncertain significance (3). Last evaluated 2025-07-06.

Conditions:
Fanconi anemia (FA). Also called: Fanconi's anemia. Identifiers: Orphanet 84, MedGen C0015625, MeSH D005199, MONDO:0019391.
Inborn genetic diseases. Identifiers: MedGen C0950123, MeSH D030342.

Submissions (3):

Ambry Genetics
Classification: Uncertain significance for Inborn genetic diseases. Last evaluated: 2025-07-06. Review status: criteria provided, single submitter. Criteria: Ambry Variant Classification Scheme 2023. Collection method: clinical testing. Allele origin: germline.
Comment: The p.A129T variant (also known as c.385G>A), located in coding exon 4 of the FANCA gene, results from a G to A substitution at nucleotide position 385. The alanine at codon 129 is replaced by threonine, an amino acid with similar properties. This amino acid position is conserved. In addition, this alteration is predicted to be tolerated by in silico analysis. Based on the available evidence, the clinical significance of this variant remains unclear.

Labcorp Genetics (formerly Invitae), Labcorp
Classification: Uncertain significance for Fanconi anemia. Last evaluated: 2022-05-20. Review status: criteria provided, single submitter. Criteria: Invitae Variant Classification Sherloc (09022015). Collection method: clinical testing. Allele origin: germline.
Comment: This sequence change replaces alanine, which is neutral and non-polar, with threonine, which is neutral and polar, at codon 129 of the FANCA protein (p.Ala129Thr). This variant is not present in population databases (gnomAD no frequency). This variant has not been reported in the literature in individuals affected with FANCA-related conditions. ClinVar contains an entry for this variant (Variation ID: 1020283). Advanced modeling of protein sequence and biophysical properties (such as structural, functional, and spatial information, amino acid conservation, physicochemical variation, residue mobility, and thermodynamic stability) performed at Invitae indicates that this missense variant is not expected to disrupt FANCA protein function. In summary, the available evidence is currently insufficient to determine the role of this variant in disease. Therefore, it has been classified as a Variant of Uncertain Significance.

Greenwood Genetic Center Diagnostic Laboratories, Greenwood Genetic Center
Classification: Uncertain significance. Last evaluated: 2021-10-06. Review status: criteria provided, single submitter. Criteria: ACMG Guidelines, 2015. Collection method: clinical testing. Allele origin: germline. Affected: yes.
Comment: BP4, PM2

NM_000135.4(FANCA):c.385G>A (p.Ala129Thr)

Gene: FANCA (FA complementation group A; minus strand). Cytogenetic location: 16q24.3.
Variant type: single nucleotide variant.
Coding change: c.385G>A on transcript NM_000135.4 (MANE Select); coding-DNA position 385, G replaced by A.
Protein change: p.Ala129Thr; replaces alanine 129 with threonine.
Molecular consequence: missense variant.
Genome position (GRCh38, 1-based): chr16:89,810,970, C>T on the plus strand (G>A on the coding strand, the complement: FANCA is on the minus strand). VCF-style: chr16-89810970-C-T. GRCh37 (hg19) VCF-style: chr16-89877378-C-T.
Other names: c.385G>A (NM_000135.2); c.385G>A, p.Ala129Thr (NM_001018112.3, NM_001286167.3, NM_001351830.2); short protein forms A129T.
Identifiers: ClinVar variation 1020283 (VCV001020283.10), dbSNP rs374945563, ClinGen allele CA397480933.